The following is an entry in ClinVar:

ClinVar aggregate classification (germline): Likely pathogenic (1 of 4 stars; one submission).

Submission:

Labcorp Genetics (formerly Invitae), Labcorp
Classification: Likely pathogenic. Last evaluated: 2023-06-22. Review status: criteria provided, single submitter. Criteria: Invitae Variant Classification Sherloc (09022015). Collection method: clinical testing. Allele origin: germline.
Comment: Algorithms developed to predict the effect of sequence changes on RNA splicing suggest that this variant may disrupt the consensus splice site. This sequence change affects an acceptor splice site in intron 15 of the COL2A1 gene. It is expected to disrupt RNA splicing. Variants that disrupt the donor or acceptor splice site typically lead to a loss of protein function (PMID: 16199547), and loss-of-function variants in COL2A1 are known to be pathogenic (PMID: 20179744). This variant is not present in population databases (gnomAD no frequency). This variant has not been reported in the literature in individuals affected with COL2A1-related conditions. In summary, the currently available evidence indicates that the variant is pathogenic, but additional data are needed to prove that conclusively. Therefore, this variant has been classified as Likely Pathogenic.

Literature cited by the submitters: PubMed 16199547; PubMed 20179744.

NM_001844.5(COL2A1):c.970-1G>A

Gene: COL2A1 (collagen type II alpha 1 chain; minus strand). Cytogenetic location: 12q13.11.
Variant type: single nucleotide variant.
Coding change: c.970-1G>A on transcript NM_001844.5 (MANE Select); the canonical splice acceptor site of the intron before coding-DNA position 970, G replaced by A.
Molecular consequence: splice acceptor variant.
Genome position (GRCh38, 1-based): chr12:47,992,932, C>T on the plus strand (G>A on the coding strand, the complement: COL2A1 is on the minus strand). VCF-style: chr12-47992932-C-T. GRCh37 (hg19) VCF-style: chr12-48386715-C-T.
Other names: c.763-1G>A (NM_033150.3).
Identifiers: ClinVar variation 2724790 (VCV002724790.3), dbSNP rs2540165717, ClinGen allele CA384555724.